The following is an entry in ClinVar:

NM_018062.4(FANCL):c.739A>G (p.Met247Val)

Gene: FANCL (FA complementation group L; minus strand). Cytogenetic location: 2p16.1.
Variant type: single nucleotide variant.
Coding change: c.739A>G on transcript NM_018062.4 (MANE Select); coding-DNA position 739, A replaced by G.
Protein change: p.Met247Val; replaces methionine 247 with valine.
Molecular consequence: missense variant.
Genome position (GRCh38, 1-based): chr2:58,163,470, T>C on the plus strand (A>G on the coding strand, the complement: FANCL is on the minus strand). VCF-style: chr2-58163470-T-C. GRCh37 (hg19) VCF-style: chr2-58390605-T-C.
Other names: c.754A>G, p.Met252Val (NM_001114636.2); c.784A>G, p.Met262Val (NM_001374615.1); c.799A>G, p.Met267Val (NM_001410792.1); short protein forms M252V, M247V, M262V, M267V.
Identifiers: ClinVar variation 698894 (VCV000698894.13), dbSNP rs561027973, ClinGen allele CA1670485.

ClinVar aggregate classification (germline): Benign. Review status: criteria provided, single submitter (1 of 4 stars). 2 submissions from 2 submitters: Benign (1). 1 of the submissions does not count toward it. Last evaluated 2026-01-28.

Conditions:
FANCL-related disorder. Also called: FANCL-related condition.
Fanconi anemia (FA). Also called: Fanconi's anemia. Identifiers: Orphanet 84, MedGen C0015625, MeSH D005199, MONDO:0019391.

Allele frequency attached by ClinVar (database versions not stated): gnomAD 0.00004 and 0.00030; TOPMed 0.00006; gnomAD exomes 0.00044 and 0.00114; ExAC 0.00122; 1000 Genomes Project 30x 0.00281; 1000 Genomes Project 0.00300.
gnomAD v4.1: 710 of 1,611,040 alleles (0.044%); highest among the groups gnomAD compares: South Asian, 0.69%; 9 homozygotes.

Submissions (2):

Labcorp Genetics (formerly Invitae), Labcorp
Classification: Benign for Fanconi anemia. Last evaluated: 2026-01-28. Review status: criteria provided, single submitter. Criteria: Invitae Variant Classification Sherloc (09022015). Collection method: clinical testing. Allele origin: germline.

PreventionGenetics, part of Exact Sciences
Classification: Benign for FANCL-related condition. Last evaluated: 2020-12-30. Review status: no assertion criteria provided. Collection method: clinical testing. Allele origin: germline. Not counted in ClinVar's aggregate classification.
Comment: This variant is classified as benign based on ACMG/AMP sequence variant interpretation guidelines (Richards et al. 2015 PMID: 25741868, with internal and published modifications).